The following is an entry in ClinVar:

ClinVar aggregate classification (germline): Pathogenic (1 of 4 stars; one submission).

Conditions:
Hereditary diffuse gastric adenocarcinoma (HDGC). Also called: DIFFUSE GASTRIC AND LOBULAR BREAST CANCER SYNDROME. Identifiers: Orphanet 26106, MedGen C1708349, MONDO:0007648, OMIM 137215.

Submission:

Myriad Genetics, Inc.
Classification: Pathogenic for Hereditary diffuse gastric adenocarcinoma. Last evaluated: 2023-06-13. Review status: criteria provided, single submitter. Criteria: Myriad Autosomal Dominant, Autosomal Recessive and X-Linked Classification Criteria (2023). Collection method: clinical testing. Allele origin: unknown.
Comment: This variant is considered pathogenic. This variant creates a frameshift predicted to result in premature protein truncation.

NM_004360.5(CDH1):c.1338_1345del (p.Lys447fs)

Gene: CDH1 (cadherin 1; plus strand). Cytogenetic location: 16q22.1.
Variant type: Deletion.
Coding change: c.1338_1345del on transcript NM_004360.5 (MANE Select); coding-DNA positions 1338 to 1345, 8 bases deleted (CAAGCAGC; older notation c.1338_1345delCAAGCAGC).
Protein change: p.Lys447fs; shifts the reading frame from lysine 447.
Molecular consequence: frameshift variant. On other transcripts: 5 prime UTR variant (2).
Genome position (GRCh38, 1-based): chr16:68,815,532-68,815,539, CAAGCAGC deleted; deleting any 8 consecutive bases within chr16:68,815,530-68,815,539 gives the same sequence; the c. name uses the placement nearest the transcript's 3' end. VCF-style (leftmost placement, unchanged base first): chr16-68815529-GGCCAAGCA-G. GRCh37 (hg19) VCF-style: chr16-68849432-GGCCAAGCA-G.
Other names: c.1155_1162del, p.Lys386fs (NM_001317184.2); c.-211_-204del (NM_001317185.2); c.-482_-475del (NM_001317186.2); short protein forms K386fs, K447fs.
Identifiers: ClinVar variation 2583497 (VCV002583497.2), dbSNP rs2543930237, ClinGen allele CA2582342592.